The following is an entry in ClinVar:

NM_172107.4(KCNQ2):c.867C>T (p.Asn289=)

Gene: KCNQ2 (potassium voltage-gated channel subfamily Q member 2; minus strand). Cytogenetic location: 20q13.33.
Variant type: single nucleotide variant.
Coding change: c.867C>T on transcript NM_172107.4 (MANE Select); coding-DNA position 867, C replaced by T.
Protein change: p.Asn289=; no amino-acid change (asparagine 289 retained).
Molecular consequence: synonymous variant.
Genome position (GRCh38, 1-based): chr20:63,439,658, G>A on the plus strand (C>T on the coding strand, the complement: KCNQ2 is on the minus strand). VCF-style: chr20-63439658-G-A. GRCh37 (hg19) VCF-style: chr20-62071011-G-A.
Other names: p.Asn289=; c.867C>T, p.Asn289= (NM_004518.6, NM_172106.3, NM_172108.5 and 1 more transcripts).
Identifiers: ClinVar variation 696004 (VCV000696004.13), dbSNP rs749934609, ClinGen allele CA9958706.
Genomic context (GRCh38, chr20:63,439,658, plus strand): 5'-TGCAGGCAGCGCGAAGAAGGAGACACCGATGAGGGTGAAGGTTGCCGCAAGGAGCCTGCC[G>A]TTCCAGGTCTGGGGGTACTTGTCCCCGTAGCCAATGGTGGTCAGCGTGATCTGTGGGACC-3'
Protein context (NP_742105.1, residues 279-299): GYGDKYPQTW[Asn289=]GRLLAATFTL

ClinVar aggregate classification (germline): Likely benign. Review status: criteria provided, multiple submitters, no conflicts (2 of 4 stars). 3 submissions from 3 submitters: Likely benign (3). Last evaluated 2025-11-05.

Conditions:
Early-infantile DEE. Also called: Early infantile epileptic encephalopathy with suppression bursts; Ohtahara syndrome; Early infantile epileptic encephalopathy. Identifiers: Orphanet 1934, MedGen C0393706, MONDO:0800491.

Allele frequency attached by ClinVar (database versions not stated): gnomAD 0.00002 and 0.00003; ExAC 0.00005; gnomAD exomes 0.00006; TOPMed 0.00008.
gnomAD v4.1: 55 of 1,613,874 alleles (0.0034%); highest among the groups gnomAD compares: East Asian, 0.069%; no homozygotes.

Submissions (3):

Labcorp Genetics (formerly Invitae), Labcorp
Classification: Likely benign for Early-infantile DEE. Last evaluated: 2025-11-05. Review status: criteria provided, single submitter. Criteria: Invitae Variant Classification Sherloc (09022015). Collection method: clinical testing. Allele origin: germline.

Mayo Clinic Laboratories, Mayo Clinic
Classification: Likely benign. Last evaluated: 2025-07-11. Review status: criteria provided, single submitter. Criteria: ACMG Guidelines, 2015. Collection method: clinical testing. Allele origin: germline. Observed: 1 variant allele.
Comment: BS2, BP4, BP7

Laboratory of Genetics, Children's Clinical University Hospital Latvia
Classification: Likely benign. Last evaluated: 2025-02-16. Review status: criteria provided, single submitter. Criteria: ACMG Guidelines, 2015. Collection method: clinical testing. Allele origin: germline. Affected: yes.